The following is an entry in ClinVar:

NM_139276.3(STAT3):c.426G>A (p.Gln142=)

Gene: STAT3 (signal transducer and activator of transcription 3; minus strand). Cytogenetic location: 17q21.2.
Variant type: single nucleotide variant.
Coding change: c.426G>A on transcript NM_139276.3 (MANE Select); coding-DNA position 426, G replaced by A.
Protein change: p.Gln142=; no amino-acid change (glutamine 142 retained).
Molecular consequence: synonymous variant. On other transcripts: intron variant (1).
Genome position (GRCh38, 1-based): chr17:42,339,356, C>T on the plus strand (G>A on the coding strand, the complement: STAT3 is on the minus strand). VCF-style: chr17-42339356-C-T. GRCh37 (hg19) VCF-style: chr17-40491374-C-T.
Other names: p.Gln142=; c.426G>A, p.Gln142= (NM_001369512.1, NM_001369513.1, NM_001369514.1 and 15 more transcripts); c.348G>A, p.Gln116= (NM_001384985.1); c.373-544G>A (NM_001384989.1).
Identifiers: ClinVar variation 735346 (VCV000735346.10), dbSNP rs774823374, ClinGen allele CA8575639.

ClinVar aggregate classification (germline): Likely benign. Review status: criteria provided, multiple submitters, no conflicts (2 of 4 stars). 2 submissions from 2 submitters: Likely benign (2). Last evaluated 2025-11-06.

Conditions:
Hyper-IgE recurrent infection syndrome 1, autosomal dominant. Also called: Hyper-IgE recurrent infection syndrome 1; HYPER-IgE SYNDROME 1, AUTOSOMAL DOMINANT, WITH RECURRENT INFECTIONS; Job's Syndrome; STAT3 Hyper IgE Syndrome; JOB SYNDROME. Identifiers: Orphanet 2314, MedGen C2936739, MONDO:0007818, OMIM 147060.
STAT3 gain of function. Identifiers: MedGen C4288261.

Allele frequency attached by ClinVar (database versions not stated): TOPMed below 0.00001; ExAC 0.00001; gnomAD exomes 0.00001 and 0.00004.
gnomAD v4.1: 52 of 1,614,138 alleles (0.0032%); highest among the groups gnomAD compares: Non-Finnish European, 0.0044%; no homozygotes.

Submissions (2):

Labcorp Genetics (formerly Invitae), Labcorp
Classification: Likely benign for STAT3 gain of function; Hyper-IgE recurrent infection syndrome 1, autosomal dominant. Last evaluated: 2025-11-06. Review status: criteria provided, single submitter. Criteria: Invitae Variant Classification Sherloc (09022015). Collection method: clinical testing. Allele origin: germline.

Mayo Clinic Laboratories, Mayo Clinic
Classification: Likely benign. Last evaluated: 2025-02-25. Review status: criteria provided, single submitter. Criteria: ACMG Guidelines, 2015. Collection method: clinical testing. Allele origin: germline. Observed: 1 variant allele.
Comment: BP4, BP7